The following is an entry in ClinVar:

NM_000492.4(CFTR):c.1694A>T (p.Asp565Val)

Gene: CFTR (CF transmembrane conductance regulator; plus strand). Cytogenetic location: 7q31.2.
Variant type: single nucleotide variant.
Coding change: c.1694A>T on transcript NM_000492.4 (MANE Select); coding-DNA position 1694, A replaced by T.
Protein change: p.Asp565Val; replaces aspartic acid 565 with valine.
Molecular consequence: missense variant.
Genome position (GRCh38, 1-based): chr7:117,590,367, A>T. VCF-style: chr7-117590367-A-T. GRCh37 (hg19) VCF-style: chr7-117230421-A-T.
Other names: short protein forms D565V.
Identifiers: ClinVar variation 3709895 (VCV003709895.2).
Genomic context (GRCh38, chr7:117,590,367, plus strand): 5'-CAGGAAATAGAGAGGAAATGTAATTTAATTTCCATTTTCTTTTTAGAGCAGTATACAAAG[A>T]TGCTGATTTGTATTTATTAGACTCTCCTTTTGGATACCTAGATGTTTTAACAGAAAAAGA-3'
Protein context (NP_000483.3, residues 555-575): RISLARAVYK[Asp565Val]ADLYLLDSPF

ClinVar aggregate classification (germline): Uncertain significance (1 of 4 stars; one submission).

Conditions:
Cystic fibrosis (CF). Also called: MUCOVISCIDOSIS. Identifiers: Orphanet 586, MedGen C0010674, MONDO:0009061, OMIM 219700. Disease mechanism: loss of function.

gnomAD v4.1: 7 of 1,603,140 alleles (0.00044%); highest among the groups gnomAD compares: African/African-American, 0.0013%; no homozygotes.

Submission:

Labcorp Genetics (formerly Invitae), Labcorp
Classification: Uncertain significance for Cystic fibrosis. Last evaluated: 2024-03-28. Review status: criteria provided, single submitter. Criteria: Invitae Variant Classification Sherloc (09022015). Collection method: clinical testing. Allele origin: germline.
Comment: This sequence change replaces aspartic acid, which is acidic and polar, with valine, which is neutral and non-polar, at codon 565 of the CFTR protein (p.Asp565Val). This variant is not present in population databases (gnomAD no frequency). This variant has not been reported in the literature in individuals affected with CFTR-related conditions. Advanced modeling of protein sequence and biophysical properties (such as structural, functional, and spatial information, amino acid conservation, physicochemical variation, residue mobility, and thermodynamic stability) performed at Invitae indicates that this missense variant is expected to disrupt CFTR protein function with a positive predictive value of 80%. In summary, the available evidence is currently insufficient to determine the role of this variant in disease. Therefore, it has been classified as a Variant of Uncertain Significance.